The following is an entry in ClinVar:

ClinVar aggregate classification (germline): Uncertain significance (1 of 4 stars; one submission).

Conditions:
Inborn genetic diseases. Identifiers: MedGen C0950123, MeSH D030342.

gnomAD v4.1: 2 of 1,613,760 alleles (0.00012%); highest among the groups gnomAD compares: Non-Finnish European, 0.00017%; no homozygotes.

Submission:

Ambry Genetics
Classification: Uncertain significance for Inborn genetic diseases. Last evaluated: 2025-02-04. Review status: criteria provided, single submitter. Criteria: Ambry Variant Classification Scheme 2023. Collection method: clinical testing. Allele origin: germline.
Comment: The p.V1126A variant (also known as c.3377T>C), located in coding exon 1 of the SAMD9L gene, results from a T to C substitution at nucleotide position 3377. The valine at codon 1126 is replaced by alanine, an amino acid with similar properties. This amino acid position is conserved. In addition, the in silico prediction for this alteration is inconclusive. Based on the available evidence, the clinical significance of this variant remains unclear.

NM_152703.5(SAMD9L):c.3377T>C (p.Val1126Ala)

Gene: SAMD9L (sterile alpha motif domain containing 9 like; minus strand). Cytogenetic location: 7q21.2.
Variant type: single nucleotide variant.
Coding change: c.3377T>C on transcript NM_152703.5 (MANE Select); coding-DNA position 3377, T replaced by C.
Protein change: p.Val1126Ala; replaces valine 1126 with alanine.
Molecular consequence: missense variant.
Genome position (GRCh38, 1-based): chr7:93,132,595, A>G on the plus strand (T>C on the coding strand, the complement: SAMD9L is on the minus strand). VCF-style: chr7-93132595-A-G. GRCh37 (hg19) VCF-style: chr7-92761908-A-G.
Other names: c.3377T>C, p.Val1126Ala (NM_001303496.3, NM_001303497.3, NM_001303498.3 and 5 more transcripts); short protein forms V1126A.
Identifiers: ClinVar variation 3792392 (VCV003792392.1).